The following is an entry in ClinVar:

NM_004565.3(PEX14):c.602A>G (p.Asn201Ser)

Gene: PEX14 (peroxisomal biogenesis factor 14; plus strand). Cytogenetic location: 1p36.22.
Variant type: single nucleotide variant.
Coding change: c.602A>G on transcript NM_004565.3 (MANE Select); coding-DNA position 602, A replaced by G.
Protein change: p.Asn201Ser; replaces asparagine 201 with serine.
Molecular consequence: missense variant.
Genome position (GRCh38, 1-based): chr1:10,627,288, A>G. VCF-style: chr1-10627288-A-G. GRCh37 (hg19) VCF-style: chr1-10687345-A-G.
Other names: short protein forms N201S.
Identifiers: ClinVar variation 501353 (VCV000501353.19), dbSNP rs142285791, ClinGen allele CA583916.

ClinVar aggregate classification (germline): Conflicting classifications of pathogenicity. Review status: criteria provided, conflicting classifications (1 of 4 stars). 5 submissions from 5 submitters: Uncertain significance (1); Likely benign (3). 1 of the submissions does not count toward it. Last evaluated 2026-01-18.

Conditions:
PEX14-related disorder. Also called: PEX14-related condition.
Inborn genetic diseases. Identifiers: MedGen C0950123, MeSH D030342.
Peroxisome biogenesis disorder, complementation group K (CGK). Identifiers: MedGen C1866257, MONDO:0800365.

Allele frequency attached by ClinVar (database versions not stated): 1000 Genomes Project 30x 0.00062; 1000 Genomes Project 0.00080; gnomAD 0.00083; TOPMed 0.00086; ESP Exome Variant Server 0.00092.
gnomAD v4.1: 430 of 1,613,422 alleles (0.027%); highest among the groups gnomAD compares: African/African-American, 0.24%; 2 homozygotes.

Submissions (5):

Labcorp Genetics (formerly Invitae), Labcorp
Classification: Likely benign for Peroxisome biogenesis disorder, complementation group K. Last evaluated: 2026-01-18. Review status: criteria provided, single submitter. Criteria: Invitae Variant Classification Sherloc (09022015). Collection method: clinical testing. Allele origin: germline.

Ambry Genetics
Classification: Likely benign for Inborn genetic diseases. Last evaluated: 2025-05-16. Review status: criteria provided, single submitter. Criteria: Ambry Variant Classification Scheme 2023. Collection method: clinical testing. Allele origin: germline.

Blueprint Genetics
Classification: Likely benign. Last evaluated: 2024-06-25. Review status: criteria provided, single submitter. Criteria: ACMG Guidelines, 2015. Collection method: clinical testing. Allele origin: germline.

Eurofins Ntd Llc (ga)
Classification: Uncertain significance. Last evaluated: 2017-10-02. Review status: criteria provided, single submitter. Criteria: EGL Classification Definitions 2015. Collection method: clinical testing. Allele origin: germline. Observed: 6 variant alleles, 6 heterozygotes.

PreventionGenetics, part of Exact Sciences
Classification: Likely benign for PEX14-related condition. Last evaluated: 2022-02-10. Review status: no assertion criteria provided. Collection method: clinical testing. Allele origin: germline. Not counted in ClinVar's aggregate classification.
Comment: This variant is classified as likely benign based on ACMG/AMP sequence variant interpretation guidelines (Richards et al. 2015 PMID: 25741868, with internal and published modifications).